The following is an entry in ClinVar:

NM_000545.8(HNF1A):c.320T>C (p.Leu107Pro)

Gene: HNF1A (HNF1 homeobox A; plus strand). Cytogenetic location: 12q24.31.
Variant type: single nucleotide variant.
Coding change: c.320T>C on transcript NM_000545.8 (MANE Select); coding-DNA position 320, T replaced by C.
Protein change: p.Leu107Pro; replaces leucine 107 with proline.
Molecular consequence: missense variant.
Genome position (GRCh38, 1-based): chr12:120,979,088, T>C. VCF-style: chr12-120979088-T-C. GRCh37 (hg19) VCF-style: chr12-121416891-T-C.
Other names: NM_001306179.2:c.320T>C; c.320T>C, p.Leu107Pro (NM_001306179.2); short protein forms L107P.
Identifiers: ClinVar variation 1334149 (VCV001334149.4), dbSNP rs2135820413, ClinGen allele CA386954880.
Genomic context (GRCh38, chr12:120,979,088, plus strand): 5'-AAGAGCTGGAGAACCTCAGCCCTGAGGAGGCGGCCCACCAGAAAGCCGTGGTGGAGACCC[T>C]TCTGCAGTAAGGAGCCCTGCCCCGTCCCCGCTCCCAGGAGAGCCTAGAGGGGCCCCCCTC-3'
Protein context (NP_000536.6, residues 97-117): AAHQKAVVET[Leu107Pro]LQEDPWRVAK

ClinVar aggregate classification (germline): Likely pathogenic (3 of 4 stars; one submission).

Conditions:
Monogenic diabetes. Identifiers: Orphanet 183625, MedGen C3888631, MONDO:0015967.

Submission:

ClinGen Monogenic Diabetes Variant Curation Expert Panel
Classification: Likely pathogenic for Monogenic diabetes. Last evaluated: 2025-07-16. Review status: reviewed by expert panel. Criteria: ClinGen Diabetes ACMG Specifications HNF1A V3.0.0. Collection method: curation. Allele origin: germline. Inheritance: Autosomal dominant inheritance.
Comment: The c.320T>C variant in the HNF1 homeobox A gene, HNF1A, causes an amino acid change of leucine to proline at codon 107 (p.(Leu107Pro)) of NM_000545.8. This variant is located within the DNA binding domain (codons 107-174) of HNF1A, which is defined as critical for the protein’s function by the ClinGen MDEP (PM1_Supporting). This variant is also predicted to be deleterious by computational evidence, with a REVEL score of 0.93, which is greater than the MDEP threshold of 0.70 (PP3). This variant is absent in gnomAD v.4.1.0 (PM2_Supporting), and was identified in an individual with diabetes; however, the calculated MODY probability is <50% (internal lab contributor). Two other missense variants at the same residue, c.319C>G (p.Leu107Val) and c.319C>A (p.Leu107Ile), have been interpreted as pathogenic by the ClinGen MDEP, and p.Leu107Arg has greater Grantham distance than p.Leu107Val and p.Leu107Ile (PM5_Strong). In summary, c.320T>C meets the criteria to be classified as likely pathogenic for monogenic diabetes. ACMG/AMP criteria applied, as specified by the ClinGen MDEP (specification version 3.0.0, approved 6/30/2025): PM5_Strong, PS2_Moderate, PP3, PM1_Supporting, PM2_Supporting.